The following is an entry in ClinVar:

NM_001370100.5(ZMYND11):c.701_704del (p.Asp234fs)

Gene: ZMYND11 (zinc finger MYND-type containing 11; plus strand). Cytogenetic location: 10p15.3.
Variant type: Deletion.
Coding change: c.701_704del on transcript NM_001370100.5 (MANE Select); coding-DNA positions 701 to 704, 4 bases deleted (ACAG; older notation c.701_704delACAG).
Protein change: p.Asp234fs; shifts the reading frame from aspartic acid 234.
Molecular consequence: frameshift variant. On other transcripts: intron variant (2).
Genome position (GRCh38, 1-based): chr10:240,059-240,062, ACAG deleted; deleting any 4 consecutive bases within chr10:240,056-240,062 gives the same sequence; the c. name uses the placement nearest the transcript's 3' end. VCF-style (leftmost placement, unchanged base first): chr10-240055-GCAGA-G. GRCh37 (hg19) VCF-style: chr10-285995-GCAGA-G.
Other names: c.539_542del, p.Asp180fs (NM_001202464.3, NM_001202467.1, NM_001370103.2 and 6 more transcripts); c.446_449del, p.Asp149fs (NM_001202465.3, NM_001370110.2); c.701_704del, p.Asp234fs (NM_001202468.1, NM_001370097.3, NM_001370098.2 and 6 more transcripts); c.650_653del, p.Asp217fs (NM_001330057.3, NM_001370112.2); c.608_611del, p.Asp203fs (NM_001370113.2, NM_001370114.2); c.635_638del, p.Asp212fs (NM_001370116.2); c.581_584del, p.Asp194fs (NM_001370118.2); c.473_476del, p.Asp158fs (NM_001370120.2); and 5 more; short protein forms D140fs, D149fs, D158fs, D180fs, D194fs, D203fs, D212fs, D217fs.
Identifiers: ClinVar variation 986965 (VCV000986965.4), ClinGen allele CA1139661373.

ClinVar aggregate classification (germline): Pathogenic. Review status: criteria provided, multiple submitters, no conflicts (2 of 4 stars). 2 submissions from 2 submitters: Pathogenic (2). Last evaluated 2023-03-08.

Conditions:
Inborn genetic diseases. Identifiers: MedGen C0950123, MeSH D030342.

Submissions (2):

Ambry Genetics
Classification: Pathogenic for Inborn genetic diseases. Last evaluated: 2023-03-08. Review status: criteria provided, single submitter. Criteria: Ambry Variant Classification Scheme 2023. Collection method: clinical testing. Allele origin: germline.
Comment: The c.701_704delACAG (p.D234Vfs*54) alteration, located in exon 7 (coding exon 7) of the ZMYND11 gene, consists of a deletion of 4 nucleotides from position 701 to 704, causing a translational frameshift with a predicted alternate stop codon after 54 amino acids. This alteration is expected to result in loss of function by premature protein truncation or nonsense-mediated mRNA decay. This variant was not reported in population-based cohorts in the Genome Aggregation Database (gnomAD). Based on the available evidence, this alteration is classified as pathogenic.

Institute of Medical Genetics and Applied Genomics, University Hospital Tübingen
Classification: Pathogenic. Last evaluated: 2020-10-23. Review status: criteria provided, single submitter. Criteria: ACMG Guidelines, 2015. Collection method: clinical testing. Allele origin: germline. Inheritance: Autosomal dominant inheritance. Affected: yes.